The following is an entry in ClinVar:

NM_002691.4(POLD1):c.2428G>A (p.Ala810Thr)

Gene: POLD1 (DNA polymerase delta 1, catalytic subunit; plus strand). Cytogenetic location: 19q13.33.
Variant type: single nucleotide variant.
Coding change: c.2428G>A on transcript NM_002691.4 (MANE Select); coding-DNA position 2428, G replaced by A.
Protein change: p.Ala810Thr; replaces alanine 810 with threonine.
Molecular consequence: missense variant. On other transcripts: non-coding transcript variant (1).
Genome position (GRCh38, 1-based): chr19:50,414,854, G>A. VCF-style: chr19-50414854-G-A. GRCh37 (hg19) VCF-style: chr19-50918111-G-A.
Other names: c.2428G>A (NM_002691.2); c.2428G>A, p.Ala810Thr (NM_001256849.1); c.2506G>A, p.Ala836Thr (NM_001308632.1); short protein forms A810T, A836T.
Identifiers: ClinVar variation 239291 (VCV000239291.42), dbSNP rs760358465, ClinGen allele CA9596517.

ClinVar aggregate classification (germline): Uncertain significance. Review status: criteria provided, multiple submitters, no conflicts (2 of 4 stars). 4 submissions from 4 submitters: Uncertain significance (4). Last evaluated 2025-10-23.

Conditions:
POLD1-related polyposis and colorectal cancer syndrome (CRCS10). Also called: Colorectal cancer 10; COLORECTAL CANCER, SUSCEPTIBILITY TO, ON CHROMOSOME 19q; Colorectal cancer, susceptibility to, 10. Identifiers: Orphanet 220460, MedGen C2675481, MONDO:0012953, OMIM 612591.
Hereditary cancer-predisposing syndrome. Also called: Tumor predisposition; Hereditary Cancer Syndrome; Neoplastic Syndromes, Hereditary; Hereditary neoplastic syndrome. Identifiers: Orphanet 140162, MedGen C0027672, MeSH D009386, MONDO:0015356.

Allele frequency attached by ClinVar (database versions not stated): TOPMed 0.00001.
gnomAD v4.1: 40 of 1,597,954 alleles (0.0025%); highest among the groups gnomAD compares: Non-Finnish European, 0.0032%; no homozygotes.

Submissions (4):

Labcorp Genetics (formerly Invitae), Labcorp
Classification: Uncertain significance for POLD1-related polyposis and colorectal cancer syndrome. Last evaluated: 2025-10-23. Review status: criteria provided, single submitter. Criteria: Invitae Variant Classification Sherloc (09022015). Collection method: clinical testing. Allele origin: germline.
Comment: This sequence change replaces alanine, which is neutral and non-polar, with threonine, which is neutral and polar, at codon 810 of the POLD1 protein (p.Ala810Thr). This variant is present in population databases (rs760358465, gnomAD 0.003%). This variant has not been reported in the literature in individuals affected with POLD1-related conditions. ClinVar contains an entry for this variant (Variation ID: 239291). Invitae Evidence Modeling of protein sequence and biophysical properties (such as structural, functional, and spatial information, amino acid conservation, physicochemical variation, residue mobility, and thermodynamic stability) indicates that this missense variant is expected to disrupt POLD1 protein function with a positive predictive value of 80%. In summary, the available evidence is currently insufficient to determine the role of this variant in disease. Therefore, it has been classified as a Variant of Uncertain Significance.

Ambry Genetics
Classification: Uncertain significance for Hereditary cancer-predisposing syndrome. Last evaluated: 2025-01-06. Review status: criteria provided, single submitter. Criteria: Ambry Variant Classification Scheme 2023. Collection method: clinical testing. Allele origin: germline.
Comment: The p.A810T variant (also known as c.2428G>A), located in coding exon 19 of the POLD1 gene, results from a G to A substitution at nucleotide position 2428. The alanine at codon 810 is replaced by threonine, an amino acid with similar properties. This amino acid position is highly conserved in available vertebrate species. In addition, the in silico prediction for this alteration is inconclusive. Based on the available evidence, the clinical significance of this variant remains unclear.

CeGaT Center for Human Genetics Tuebingen
Classification: Uncertain significance. Last evaluated: 2023-02-01. Review status: criteria provided, single submitter. Criteria: CeGaT Center For Human Genetics Tuebingen Variant Classification Criteria Version 2. Collection method: clinical testing. Allele origin: germline. Affected: yes. Observed: 1 variant allele.
Comment: POLD1: PM2:Supporting

GeneDx
Classification: Uncertain significance. Last evaluated: 2020-02-18. Review status: criteria provided, single submitter. Criteria: GeneDx Variant Classification Process June 2021. Collection method: clinical testing. Allele origin: germline. Affected: yes.
Comment: Not observed at a significant frequency in large population cohorts (Lek 2016); In silico analysis supports that this missense variant has a deleterious effect on protein structure/function; Has not been previously published as pathogenic or benign to our knowledge